The following is an entry in ClinVar:

NM_001100.4(ACTA1):c.453C>T (p.Thr151=)

Gene: ACTA1 (actin alpha 1, skeletal muscle; minus strand). Cytogenetic location: 1q42.13.
Variant type: single nucleotide variant.
Coding change: c.453C>T on transcript NM_001100.4 (MANE Select); coding-DNA position 453, C replaced by T.
Protein change: p.Thr151=; no amino-acid change (threonine 151 retained).
Molecular consequence: synonymous variant.
Genome position (GRCh38, 1-based): chr1:229,432,557, G>A on the plus strand (C>T on the coding strand, the complement: ACTA1 is on the minus strand). VCF-style: chr1-229432557-G-A. GRCh37 (hg19) VCF-style: chr1-229568304-G-A.
Identifiers: ClinVar variation 464118 (VCV000464118.6), dbSNP rs76030344, ClinGen allele CA423755160.

ClinVar aggregate classification (germline): Uncertain significance (1 of 4 stars; one submission).

Conditions:
Actin accumulation myopathy (CMYO2A). Also called: Myopathy, actin, congenital, with cores; Nemaline myopathy 3, with intranuclear rods; Nemaline myopathy type 3; Myopathy, actin, congenital, with excess of thin myofilaments; CONGENITAL MYOPATHY 2A, TYPICAL, AUTOSOMAL DOMINANT. Identifiers: Orphanet 98904, MedGen C3711389, MONDO:0008070, OMIM 161800.

Allele frequency attached by ClinVar (database versions not stated): TOPMed 0.00003.
gnomAD v4.1: 3 of 1,609,512 alleles (0.00019%); highest among the groups gnomAD compares: East Asian, 0.0022%; no homozygotes.

Submission:

Labcorp Genetics (formerly Invitae), Labcorp
Classification: Uncertain significance for Actin accumulation myopathy. Last evaluated: 2021-09-30. Review status: criteria provided, single submitter. Criteria: Invitae Variant Classification Sherloc (09022015). Collection method: clinical testing. Allele origin: germline.
Comment: This sequence change affects codon 151 of the ACTA1 mRNA. It is a 'silent' change, meaning that it does not change the encoded amino acid sequence of the ACTA1 protein. This variant is not present in population databases (ExAC no frequency). This variant has not been reported in the literature in individuals with ACTA1-related disease. Algorithms developed to predict the effect of sequence changes on RNA splicing suggest that this variant is not likely to affect RNA splicing, but this prediction has not been confirmed by published transcriptional studies. In summary, the available evidence is currently insufficient to determine the role of this variant in disease. Therefore, it has been classified as a Variant of Uncertain Significance.